The following is an entry in ClinVar:

ClinVar aggregate classification (germline): Uncertain significance (1 of 4 stars; one submission).

Allele frequency attached by ClinVar (database versions not stated): gnomAD 0.00014; ExAC 0.00016; TOPMed 0.00016; ESP Exome Variant Server 0.00023.
gnomAD v4.1: 205 of 1,606,372 alleles (0.013%); highest among the groups gnomAD compares: Middle Eastern, 0.099%; no homozygotes.

Submission:

Labcorp Genetics (formerly Invitae), Labcorp
Classification: Uncertain significance. Last evaluated: 2023-12-12. Review status: criteria provided, single submitter. Criteria: Invitae Variant Classification Sherloc (09022015). Collection method: clinical testing. Allele origin: germline.
Comment: This sequence change replaces cysteine, which is neutral and slightly polar, with tyrosine, which is neutral and polar, at codon 89 of the EXOSC8 protein (p.Cys89Tyr). This variant is present in population databases (rs200288552, gnomAD 0.08%). This variant has not been reported in the literature in individuals affected with EXOSC8-related conditions. Advanced modeling of protein sequence and biophysical properties (such as structural, functional, and spatial information, amino acid conservation, physicochemical variation, residue mobility, and thermodynamic stability) performed at Invitae indicates that this missense variant is expected to disrupt EXOSC8 protein function with a positive predictive value of 80%. In summary, the available evidence is currently insufficient to determine the role of this variant in disease. Therefore, it has been classified as a Variant of Uncertain Significance.

NM_181503.3(EXOSC8):c.266G>A (p.Cys89Tyr)

Gene: EXOSC8 (exosome component 8; plus strand). Cytogenetic location: 13q13.3.
Variant type: single nucleotide variant.
Coding change: c.266G>A on transcript NM_181503.3 (MANE Select); coding-DNA position 266, G replaced by A.
Protein change: p.Cys89Tyr; replaces cysteine 89 with tyrosine.
Molecular consequence: missense variant.
Genome position (GRCh38, 1-based): chr13:37,005,947, G>A. VCF-style: chr13-37005947-G-A. GRCh37 (hg19) VCF-style: chr13-37580084-G-A.
Other names: short protein forms C89Y.
Identifiers: ClinVar variation 2918014 (VCV002918014.1), dbSNP rs200288552, ClinGen allele CA6951177.